The following is an entry in ClinVar:

ClinVar aggregate classification (germline): Uncertain significance (1 of 4 stars; one submission).

Conditions:
Charcot-Marie-Tooth disease axonal type 2V. Also called: CHARCOT-MARIE-TOOTH NEUROPATHY, TYPE 2V; CHARCOT-MARIE-TOOTH DISEASE, AXONAL, AUTOSOMAL DOMINANT, TYPE 2V. Identifiers: Orphanet 447964, MedGen C5569050, MONDO:0014665, OMIM 616491.
Mucopolysaccharidosis, MPS-III-B (MPS3B). Also called: MPS IIIB (Sanfilippo Syndrome Type B); N-ACETYL-ALPHA-D-GLUCOSAMINIDASE DEFICIENCY; NAGLU DEFICIENCY; MUCOPOLYSACCHARIDOSIS, TYPE IIIB; Mucopolysaccharidosis type IIIB (Sanfilippo B); SANFILIPPO SYNDROME B. Identifiers: Orphanet 79270, MedGen C0086648, MONDO:0009656, OMIM 252920.

Submission:

Labcorp Genetics (formerly Invitae), Labcorp
Classification: Uncertain significance for Charcot-Marie-Tooth disease axonal type 2V; Mucopolysaccharidosis, MPS-III-B. Last evaluated: 2024-10-25. Review status: criteria provided, single submitter. Criteria: Invitae Variant Classification Sherloc (09022015). Collection method: clinical testing. Allele origin: germline.
Comment: This sequence change affects codon 255 of the NAGLU mRNA. It is a 'silent' change, meaning that it does not change the encoded amino acid sequence of the NAGLU protein. This variant also falls at the last nucleotide of exon 4, which is part of the consensus splice site for this exon. This variant is not present in population databases (gnomAD no frequency). This variant has not been reported in the literature in individuals affected with NAGLU-related conditions. ClinVar contains an entry for this variant (Variation ID: 1382184). Invitae Evidence Modeling of protein sequence and biophysical properties (such as structural, functional, and spatial information, amino acid conservation, physicochemical variation, residue mobility, and thermodynamic stability) has been performed for this missense variant. However, the output from this modeling did not meet the statistical confidence thresholds required to predict the impact of this variant on NAGLU protein function. Variants that disrupt the consensus splice site are a relatively common cause of aberrant splicing (PMID: 17576681, 9536098). Algorithms developed to predict the effect of sequence changes on RNA splicing suggest that this variant may disrupt the consensus splice site. In summary, the available evidence is currently insufficient to determine the role of this variant in disease. Therefore, it has been classified as a Variant of Uncertain Significance.

Literature cited by the submitters: PubMed 17576681; PubMed 9536098.

NM_000263.4(NAGLU):c.764G>C (p.Arg255Thr)

Gene: NAGLU (N-acetyl-alpha-glucosaminidase; plus strand). Cytogenetic location: 17q21.2.
Variant type: single nucleotide variant.
Coding change: c.764G>C on transcript NM_000263.4 (MANE Select); coding-DNA position 764, G replaced by C.
Protein change: p.Arg255Thr; replaces arginine 255 with threonine.
Molecular consequence: missense variant.
Genome position (GRCh38, 1-based): chr17:42,538,755, G>C. VCF-style: chr17-42538755-G-C. GRCh37 (hg19) VCF-style: chr17-40690773-G-C.
Other names: short protein forms R255T.
Identifiers: ClinVar variation 1382184 (VCV001382184.6), dbSNP rs2143088503, ClinGen allele CA399599156.